The following is an entry in ClinVar:

NM_024757.5(EHMT1):c.39_40insAG (p.Glu14fs)

Gene: EHMT1 (euchromatic histone lysine methyltransferase 1; plus strand). Cytogenetic location: 9q34.3.
Variant type: Insertion.
Coding change: c.39_40insAG on transcript NM_024757.5 (MANE Select); coding-DNA positions 39 to 40, AG inserted.
Protein change: p.Glu14fs; shifts the reading frame from glutamic acid 14.
Molecular consequence: frameshift variant. On other transcripts: intron variant (2).
Genome position: GRCh38 VCF-style: chr9-137710983-G-GGA. GRCh37 (hg19) VCF-style: chr9-140605435-G-GGA.
Other names: c.39_40insAG, p.Glu14fs (NM_001145527.2, NM_001354263.2, NM_001354611.2); c.-8-5642_-8-5641insAG (NM_001354259.2, NM_001354612.2); short protein forms E14fs.
Identifiers: ClinVar variation 4833802 (VCV004833802.1).

ClinVar aggregate classification (germline): Uncertain significance (1 of 4 stars; one submission).

Conditions:
Inborn genetic diseases. Identifiers: MedGen C0950123, MeSH D030342.

Submission:

Ambry Genetics
Classification: Uncertain significance for Inborn genetic diseases. Last evaluated: 2025-12-31. Review status: criteria provided, single submitter. Criteria: Ambry Variant Classification Scheme 2023. Collection method: clinical testing. Allele origin: germline.
Comment: The c.39_40insAG (p.E14Rfs*9) alteration, located in exon 2 (coding exon 2) of the EHMT1 gene, consists of an insertion of AG at position 39, causing a translational frameshift with a predicted alternate stop codon after 9 amino acids. The predicted stop codon occurs in the 5&rsquo; end of the EHMT1 gene. Premature termination codons in the 5&rsquo; end of a gene have been reported to escape nonsense-mediated mRNA decay and/or lead to re-initiation (Rivas, 2015; Lindeboom, 2016; Rhee, 2017). The exact functional effect of this alteration is unknown. This variant was not reported in population-based cohorts in the Genome Aggregation Database (gnomAD). Based on insufficient or conflicting evidence, the clinical significance of this alteration remains unclear.